The following is an entry in ClinVar:

ClinVar aggregate classification (germline): Uncertain significance (1 of 4 stars; one submission).

Conditions:
Hereditary cancer-predisposing syndrome. Also called: Neoplastic Syndromes, Hereditary; Tumor predisposition; Hereditary Cancer Syndrome; Hereditary neoplastic syndrome. Identifiers: Orphanet 140162, MedGen C0027672, MeSH D009386, MONDO:0015356.

Submission:

Ambry Genetics
Classification: Uncertain significance for Hereditary cancer-predisposing syndrome. Last evaluated: 2014-01-07. Review status: criteria provided, single submitter. Criteria: Ambry Autosomal Dominant and X-Linked criteria (10/2015). Collection method: clinical testing. Allele origin: germline. Observed: 1 variant allele.
Comment: The p.Y1282N variant (also known as c.3844T>A), located in coding exon 25 of the RAD50 gene, results from a T to A substitution at nucleotide position 3844. The tyrosine at codon 1282 is replaced by asparagine, an amino acid with dissimilar properties. This variant was not reported in population based cohorts in the following databases: Database of Single Nucleotide Polymorphisms (dbSNP), NHLBI Exome Sequencing Project (ESP), and 1000 Genomes Project. To date, this alteration has been detected with an allele frequency of approximately 0.01% (greater than 9500 alleles tested) in our clinical cohort (includes this individual). This amino acid position is highly conserved in available vertebrate species. In addition, this alteration is predicted to be possibly damaging and deleterious by PolyPhen and SIFT in silico analyses, respectively. Since supporting evidence is limited at this time, the clinical significance of p.Y1282N remains unclear.

NM_005732.4(RAD50):c.3844T>A (p.Tyr1282Asn)

Genes: TH2LCRR (T helper type 2 locus control region associated RNA; minus strand), RAD50 (RAD50 double strand break repair protein; plus strand). Cytogenetic location: 5q31.1.
Variant type: single nucleotide variant.
Coding change: c.3844T>A on transcript NM_005732.4 (MANE Select); coding-DNA position 3844, T replaced by A.
Protein change: p.Tyr1282Asn; replaces tyrosine 1282 with asparagine.
Molecular consequence: missense variant. On other transcripts: non-coding transcript variant (1).
Genome position (GRCh38, 1-based): chr5:132,642,269, T>A. VCF-style: chr5-132642269-T-A. GRCh37 (hg19) VCF-style: chr5-131977961-T-A.
Other names: short protein forms Y1282N.
Identifiers: ClinVar variation 142081 (VCV000142081.3), dbSNP rs587782219, ClinGen allele CA167352.